The following is an entry in ClinVar:

ClinVar aggregate classification (germline): Likely benign (1 of 4 stars; one submission).

gnomAD v4.1: 337 of 152,346 alleles (0.22%); highest among the groups gnomAD compares: African/African-American, 0.8%; 1 homozygote.

Submission:

CeGaT Center for Human Genetics Tuebingen
Classification: Likely benign. Last evaluated: 2026-05-01. Review status: criteria provided, single submitter. Criteria: CeGaT Center For Human Genetics Tuebingen Variant Classification Criteria Version 2. Collection method: clinical testing. Allele origin: germline. Affected: yes. Observed: 2 variant alleles.
Comment: PIGS: BP4, BP7

NM_033198.4(PIGS):c.934+231C>T

Gene: PIGS (phosphatidylinositol glycan anchor biosynthesis class S; minus strand). Cytogenetic location: 17q11.2.
Variant type: single nucleotide variant.
Coding change: c.934+231C>T on transcript NM_033198.4 (MANE Select); 231 bases into the intron after coding-DNA position 934, C replaced by T.
Molecular consequence: intron variant.
Genome position (GRCh38, 1-based): chr17:28,558,245, G>A on the plus strand (C>T on the coding strand, the complement: PIGS is on the minus strand). VCF-style: chr17-28558245-G-A. GRCh37 (hg19) VCF-style: chr17-26885263-G-A.
Identifiers: ClinVar variation 4822555 (VCV004822555.4).